The following is an entry in ClinVar:

NM_001386795.1(DTNA):c.1051G>A (p.Val351Ile)

Gene: DTNA (dystrobrevin alpha; plus strand). Cytogenetic location: 18q12.1.
Variant type: single nucleotide variant.
Coding change: c.1051G>A on transcript NM_001386795.1 (MANE Select); coding-DNA position 1051, G replaced by A.
Protein change: p.Val351Ile; replaces valine 351 with isoleucine.
Molecular consequence: missense variant. On other transcripts: intron variant (1).
Genome position (GRCh38, 1-based): chr18:34,827,642, G>A. VCF-style: chr18-34827642-G-A. GRCh37 (hg19) VCF-style: chr18-32407606-G-A.
Other names: c.1051G>A, p.Val351Ile (NM_001128175.2, NM_001198938.2, NM_001198939.2 and 26 more transcripts); c.97G>A, p.Val33Ile (NM_001198942.1, NM_001198944.1, NM_032980.4 and 1 more transcripts); c.301G>A, p.Val101Ile (NM_001198943.1); c.1060G>A, p.Val354Ile (NM_001386775.1, NM_001386761.1, NM_001386762.1 and 5 more transcripts); c.603+15529G>A (NM_001198945.2); short protein forms V33I, V101I, V351I, V354I.
Identifiers: ClinVar variation 3020505 (VCV003020505.3), dbSNP rs1373325929, ClinGen allele CA402169595.

ClinVar aggregate classification (germline): Uncertain significance (1 of 4 stars; one submission).

Conditions:
Left ventricular noncompaction 1 (LVNC1). Also called: LEFT VENTRICULAR NONCOMPACTION 1 WITH OR WITHOUT CONGENITAL HEART DEFECTS. Identifiers: Orphanet 54260, MedGen C1858725, MONDO:0011403, OMIM 604169.

Allele frequency attached by ClinVar (database versions not stated): TOPMed below 0.00001.

Submission:

Labcorp Genetics (formerly Invitae), Labcorp
Classification: Uncertain significance for Left ventricular noncompaction 1. Last evaluated: 2024-06-12. Review status: criteria provided, single submitter. Criteria: Invitae Variant Classification Sherloc (09022015). Collection method: clinical testing. Allele origin: germline.
Comment: This sequence change replaces valine, which is neutral and non-polar, with isoleucine, which is neutral and non-polar, at codon 354 of the DTNA protein (p.Val354Ile). This variant is not present in population databases (gnomAD no frequency). This variant has not been reported in the literature in individuals affected with DTNA-related conditions. Advanced modeling of protein sequence and biophysical properties (such as structural, functional, and spatial information, amino acid conservation, physicochemical variation, residue mobility, and thermodynamic stability) performed at Invitae indicates that this missense variant is not expected to disrupt DTNA protein function with a negative predictive value of 80%. In summary, the available evidence is currently insufficient to determine the role of this variant in disease. Therefore, it has been classified as a Variant of Uncertain Significance.